The following is an entry in ClinVar:

NM_001039.4(SCNN1G):c.589G>A (p.Glu197Lys)

Gene: SCNN1G (sodium channel epithelial 1 subunit gamma; plus strand). Cytogenetic location: 16p12.2.
Variant type: single nucleotide variant.
Coding change: c.589G>A on transcript NM_001039.4 (MANE Select); coding-DNA position 589, G replaced by A.
Protein change: p.Glu197Lys; replaces glutamic acid 197 with lysine.
Molecular consequence: missense variant.
Genome position (GRCh38, 1-based): chr16:23,189,642, G>A. VCF-style: chr16-23189642-G-A. GRCh37 (hg19) VCF-style: chr16-23200963-G-A.
Other names: short protein forms E197K.
Identifiers: ClinVar variation 8829 (VCV000008829.45), dbSNP rs5738, ClinGen allele CA119954.

ClinVar aggregate classification (germline): Benign/Likely benign. Review status: criteria provided, multiple submitters, no conflicts (2 of 4 stars). 12 submissions from 11 submitters: Benign (3); Likely benign (8). 1 of the submissions does not count toward it. Last evaluated 2026-09-01.

Conditions:
Bronchiectasis with or without elevated sweat chloride 3 (BESC3). Identifiers: Orphanet 60033, MedGen C2751324, MONDO:0013112, OMIM 613071.
Liddle syndrome 2. Identifiers: MedGen C4748251, MONDO:0020854, OMIM 618114.
Pseudohypoaldosteronism, type IB1, autosomal recessive. Also called: Pseudohypoaldosteronism, Type I, Recessive; Autosomal recessive pseudohypoaldosteronism type 1; Pseudohypoaldosteronism, Type I, Autosomal Recessive; PHA I, AUTOSOMAL RECESSIVE. Identifiers: Orphanet 171876, Orphanet 756, MedGen C5774176, MONDO:0009917, OMIM 264350.

Allele frequency attached by ClinVar (database versions not stated): gnomAD 0.00548 and 0.00533; TOPMed 0.00596; 1000 Genomes Project 30x 0.00250; 1000 Genomes Project 0.00260; ExAC 0.00473; gnomAD exomes 0.00503 and 0.00803.
gnomAD v4.1: 12,544 of 1,614,198 alleles (0.78%); highest among the groups gnomAD compares: Non-Finnish European, 0.96%; 72 homozygotes.

Submissions (12):

CeGaT Center for Human Genetics Tuebingen
Classification: Likely benign. Last evaluated: 2026-09-01. Review status: criteria provided, single submitter. Criteria: CeGaT Center For Human Genetics Tuebingen Variant Classification Criteria Version 2. Collection method: clinical testing. Allele origin: germline. Affected: yes. Observed: 10 variant alleles.
Comment: SCNN1G: BP4, BS1

Labcorp Genetics (formerly Invitae), Labcorp
Classification: Likely benign. Last evaluated: 2026-01-14. Review status: criteria provided, single submitter. Criteria: Invitae Variant Classification Sherloc (09022015). Collection method: clinical testing. Allele origin: germline.

Blueprint Genetics
Classification: Likely benign. Last evaluated: 2024-11-25. Review status: criteria provided, single submitter. Criteria: ACMG Guidelines, 2015. Collection method: clinical testing. Allele origin: germline.

Fulgent Genetics
Classification: Likely benign for Pseudohypoaldosteronism, type IB1, autosomal recessive; Bronchiectasis with or without elevated sweat chloride 3; Liddle syndrome 2. Last evaluated: 2022-04-07. Review status: criteria provided, single submitter. Criteria: ACMG Guidelines, 2015. Collection method: clinical testing. Allele origin: unknown.

GeneDx
Classification: Likely benign. Last evaluated: 2020-05-15. Review status: criteria provided, single submitter. Criteria: GeneDx Variant Classification Process June 2021. Collection method: clinical testing. Allele origin: germline. Affected: yes.
Comment: This variant is associated with the following publications: (PMID: 25900089, 27264265, 28497567, 19462466, 18507830, 22933219)

Mendelics
Classification: Benign for Pseudohypoaldosteronism, type IB1, autosomal recessive. Last evaluated: 2019-05-28. Review status: criteria provided, single submitter. Criteria: Mendelics Assertion Criteria 2017. Collection method: clinical testing. Allele origin: unknown.

Athena Diagnostics
Classification: Benign. Last evaluated: 2018-05-02. Review status: criteria provided, single submitter. Criteria: Athena Diagnostics Criteria. Collection method: clinical testing. Allele origin: germline.

Illumina Laboratory Services, Illumina
Classification: Likely benign for Liddle syndrome 2. Last evaluated: 2017-04-27. Review status: criteria provided, single submitter. Criteria: ICSL Variant Classification Criteria 13 December 2019. Collection method: clinical testing. Allele origin: germline.
Comment: This variant was observed as part of a predisposition screen in an ostensibly healthy population. A literature search was performed for the gene, cDNA change, and amino acid change (where applicable). No publications were found based on this search. Allele frequency data from public databases allowed determination this variant is unlikely to cause disease. Therefore, this variant is classified as likely benign.

Illumina Laboratory Services, Illumina
Classification: Likely benign for Pseudohypoaldosteronism, type IB1, autosomal recessive. Last evaluated: 2017-04-27. Review status: criteria provided, single submitter. Criteria: ICSL Variant Classification Criteria 13 December 2019. Collection method: clinical testing. Allele origin: germline.
Comment: the same text as in the submission from Illumina Laboratory Services, Illumina above.

Breakthrough Genomics
Classification: Likely benign. Review status: criteria provided, single submitter. Criteria: ACMG Guidelines, 2015. Collection method: not provided. Allele origin: germline. Inheritance: Autosomal dominant inheritance. Affected: yes.

PreventionGenetics, part of Exact Sciences
Classification: Benign. Review status: criteria provided, single submitter. Criteria: ACMG Guidelines, 2015. Collection method: clinical testing. Allele origin: germline.

OMIM
Classification: Pathogenic for BRONCHIECTASIS WITH OR WITHOUT ELEVATED SWEAT CHLORIDE 3. Last evaluated: 2008-05-28. Review status: no assertion criteria provided. Collection method: literature only. Allele origin: germline. Not counted in ClinVar's aggregate classification.

Literature cited by the submitters: PubMed 18507830 (cited by Athena Diagnostics and OMIM); PubMed 28497567 (cited by Athena Diagnostics); PubMed 25900089 (cited by Athena Diagnostics); PubMed 19462466 (cited by Athena Diagnostics).